The following is an entry in ClinVar:

ClinVar aggregate classification (germline): Conflicting classifications of pathogenicity. Review status: criteria provided, conflicting classifications (1 of 4 stars). 5 submissions from 5 submitters: Likely pathogenic (1); Uncertain significance (3). 1 of the submissions does not count toward it. Last evaluated 2025-07-10.

Conditions:
Marfan syndrome (MFS). Also called: Marfan syndrome, classic; Marfan syndrome type 1; Marfan's syndrome; MARFAN SYNDROME, TYPE I; FBN1-Related Marfan Syndrome. Identifiers: Orphanet 284963, Orphanet 558, MedGen C0024796, MONDO:0007947, OMIM 154700.
Familial thoracic aortic aneurysm and aortic dissection (TAAD). Also called: Thoracic aortic aneurysms and dissections. Identifiers: Orphanet 91387, MedGen C4707243, MONDO:0019625.

Allele frequency attached by ClinVar (database versions not stated): TOPMed below 0.00001; gnomAD exomes below 0.00001; gnomAD 0.00001.
gnomAD v4.1: 7 of 1,614,062 alleles (0.00043%); highest among the groups gnomAD compares: Non-Finnish European, 0.00059%; no homozygotes.

Submissions (5):

Ambry Genetics
Classification: Uncertain significance for Familial thoracic aortic aneurysm and aortic dissection. Last evaluated: 2025-07-10. Review status: criteria provided, single submitter. Criteria: Ambry Variant Classification Scheme 2023. Collection method: clinical testing. Allele origin: germline.
Comment: The p.G2636S variant (also known as c.7906G>A), located in coding exon 63 of the FBN1 gene, results from a G to A substitution at nucleotide position 7906. The glycine at codon 2636 is replaced by serine, an amino acid with similar properties. This variant has been reported in a genome sequencing cohort (Klemenzdottir EO et al. Eur J Hum Genet, 2024 Jan;32:44-51). This variant has also been reported in subjects with features of Marfan syndrome (Ambry internal data; external communication). This amino acid position is highly conserved in available vertebrate species. In addition, this alteration is predicted to be deleterious by in silico analysis. Based on the available evidence, the clinical significance of this variant remains unclear.

Labcorp Genetics (formerly Invitae), Labcorp
Classification: Likely pathogenic for Marfan syndrome; Familial thoracic aortic aneurysm and aortic dissection. Last evaluated: 2025-07-02. Review status: criteria provided, single submitter. Criteria: Invitae Variant Classification Sherloc (09022015). Collection method: clinical testing. Allele origin: germline.
Comment: This sequence change replaces glycine, which is neutral and non-polar, with serine, which is neutral and polar, at codon 2636 of the FBN1 protein (p.Gly2636Ser). This variant is not present in population databases (gnomAD no frequency). This missense change has been observed in individuals with clinical features of FBN1-related conditions (internal data). ClinVar contains an entry for this variant (Variation ID: 393275). Invitae Evidence Modeling of protein sequence and biophysical properties (such as structural, functional, and spatial information, amino acid conservation, physicochemical variation, residue mobility, and thermodynamic stability) indicates that this missense variant is expected to disrupt FBN1 protein function with a positive predictive value of 95%. In summary, the currently available evidence indicates that the variant is pathogenic, but additional data are needed to prove that conclusively. Therefore, this variant has been classified as Likely Pathogenic.

All of Us Research Program, National Institutes of Health
Classification: Uncertain significance for Marfan syndrome. Last evaluated: 2023-11-30. Review status: criteria provided, single submitter. Criteria: ACMG Guidelines, 2015. Collection method: clinical testing. Allele origin: germline. Inheritance: Autosomal dominant inheritance. Observed: 2 variant alleles, 2 heterozygotes.
Comment: This study involves interpretation of variants in research participants for the purpose of population health screening. Participant phenotype was not available at the time of variant classification. Additional details can be found in publication PMID: 35346344, PMCID: PMC8962531

GeneDx
Classification: Uncertain significance. Last evaluated: 2018-09-10. Review status: criteria provided, single submitter. Criteria: GeneDx Variant Classification (06012015). Collection method: clinical testing. Allele origin: germline. Affected: yes.
Comment: The G2636S variant of uncertain significance in the FBN1 gene has not been published as pathogenic or been reported as benign to our knowledge. G2636S is not observed in large population cohorts (Lek et al., 2016). The G2636S variant is a non-conservative amino acid substitution, which is likely to impact secondary protein structure as these residues differ in polarity, charge, size and/or other properties. Moreover, in-silico analyses, including protein predictors and evolutionary conservation, support a deleterious effect. Nevertheless, while this variant resides within the calcium-binding EGF-like domain of the FBN1 gene, it does not affect a cysteine residue. Cysteine substitutions in the calcium-binding EGF-like domains represent the majority of pathogenic missense changes associated with Marfan syndrome (Collod-Beroud et al., 2003).

Institute of Human Genetics, Cologne University
Classification: Uncertain significance for Marfan syndrome. Review status: no assertion criteria provided. Collection method: clinical testing. Allele origin: unknown. Inheritance: Autosomal dominant inheritance. Affected: yes. Observed: 1 variant allele, 1 heterozygote. Not counted in ClinVar's aggregate classification.

Literature cited by the submitters: PubMed 37684520 (cited by Ambry Genetics).

NM_000138.5(FBN1):c.7906G>A (p.Gly2636Ser)

Gene: FBN1 (fibrillin 1; minus strand). Cytogenetic location: 15q21.1.
Variant type: single nucleotide variant.
Coding change: c.7906G>A on transcript NM_000138.5 (MANE Select); coding-DNA position 7906, G replaced by A.
Protein change: p.Gly2636Ser; replaces glycine 2636 with serine.
Molecular consequence: missense variant.
Genome position (GRCh38, 1-based): chr15:48,415,681, C>T on the plus strand (G>A on the coding strand, the complement: FBN1 is on the minus strand). VCF-style: chr15-48415681-C-T. GRCh37 (hg19) VCF-style: chr15-48707878-C-T.
Other names: short protein forms G2636S.
Identifiers: ClinVar variation 393275 (VCV000393275.8), dbSNP rs112566465, ClinGen allele CA16606687.